The following is an entry in ClinVar:

ClinVar aggregate classification (germline): Conflicting classifications of pathogenicity. Review status: criteria provided, conflicting classifications (1 of 4 stars). 3 submissions from 3 submitters: Uncertain significance (2); Likely benign (1). Last evaluated 2025-10-02.

Conditions:
PRKCSH-related disorder. Also called: PRKCSH-related condition.
Inborn genetic diseases. Identifiers: MedGen C0950123, MeSH D030342.

Allele frequency attached by ClinVar (database versions not stated): gnomAD 0.00006; TOPMed 0.00007; ExAC 0.00002.
gnomAD v4.1: 67 of 1,613,868 alleles (0.0042%); highest among the groups gnomAD compares: African/African-American, 0.013%; 1 homozygote.

Submissions (3):

Ambry Genetics
Classification: Likely benign for Inborn genetic diseases. Last evaluated: 2025-10-02. Review status: criteria provided, single submitter. Criteria: Ambry Variant Classification Scheme 2023. Collection method: clinical testing. Allele origin: germline.

Labcorp Genetics (formerly Invitae), Labcorp
Classification: Uncertain significance. Last evaluated: 2025-06-30. Review status: criteria provided, single submitter. Criteria: Invitae Variant Classification Sherloc (09022015). Collection method: clinical testing. Allele origin: germline.
Comment: This sequence change replaces arginine, which is basic and polar, with cysteine, which is neutral and slightly polar, at codon 271 of the PRKCSH protein (p.Arg271Cys). This variant is present in population databases (rs537447022, gnomAD 0.01%). This variant has not been reported in the literature in individuals affected with PRKCSH-related conditions. ClinVar contains an entry for this variant (Variation ID: 2188623). An algorithm developed to predict the effect of missense changes on protein structure and function (PolyPhen-2) suggests that this variant is likely to be disruptive. In summary, the available evidence is currently insufficient to determine the role of this variant in disease. Therefore, it has been classified as a Variant of Uncertain Significance.

PreventionGenetics, part of Exact Sciences
Classification: Uncertain significance for PRKCSH-related condition. Last evaluated: 2025-03-28. Review status: criteria provided, single submitter. Criteria: ACMG Guidelines, 2015. Collection method: clinical testing. Allele origin: germline.
Comment: The PRKCSH c.811C>T variant is predicted to result in the amino acid substitution p.Arg271Cys. To our knowledge, this variant has not been reported in the literature. This variant is reported in 0.014% of alleles in individuals of Latino descent in gnomAD. At this time, the clinical significance of this variant is uncertain due to the absence of conclusive functional and genetic evidence.

NM_001289104.2(PRKCSH):c.811C>T (p.Arg271Cys)

Gene: PRKCSH (PRKCSH beta subunit of glucosidase II; plus strand). Cytogenetic location: 19p13.2.
Variant type: single nucleotide variant.
Coding change: c.811C>T on transcript NM_001289104.2 (MANE Select); coding-DNA position 811, C replaced by T.
Protein change: p.Arg271Cys; replaces arginine 271 with cysteine.
Molecular consequence: missense variant.
Genome position (GRCh38, 1-based): chr19:11,447,122, C>T. VCF-style: chr19-11447122-C-T. GRCh37 (hg19) VCF-style: chr19-11557937-C-T.
Other names: c.811C>T, p.Arg271Cys (NM_001001329.3, NM_001289102.2, NM_001289103.2 and 3 more transcripts); c.811C>T (NM_002743.2); short protein forms R271C.
Identifiers: ClinVar variation 2188623 (VCV002188623.6), dbSNP rs537447022, ClinGen allele CA9213006.
Genomic context (GRCh38, chr19:11,447,122, plus strand): 5'-CAACACACACAGGCCCTCCTCAGTGGGGACACACAGACAGACGCCACCTCTTTCTACGAC[C>T]GCGTCTGGGCCGCCATCAGGGACAAGTACCGGTCCGAGGTCAGTGGAGGAGAAGGGAGGG-3'
Protein context (NP_001276033.1, residues 261-281): TQTDATSFYD[Arg271Cys]VWAAIRDKYR